The following is an entry in ClinVar:

NM_001042424.3(NSD2):c.1531C>A (p.Pro511Thr)

Gene: NSD2 (nuclear receptor binding SET domain protein 2; plus strand). Cytogenetic location: 4p16.3.
Variant type: single nucleotide variant.
Coding change: c.1531C>A on transcript NM_001042424.3 (MANE Select); coding-DNA position 1531, C replaced by A.
Protein change: p.Pro511Thr; replaces proline 511 with threonine.
Molecular consequence: missense variant.
Genome position (GRCh38, 1-based): chr4:1,930,746, C>A. VCF-style: chr4-1930746-C-A. GRCh37 (hg19) VCF-style: chr4-1932473-C-A.
Other names: c.1531C>A, p.Pro511Thr (NM_007331.2, NM_133330.3, NM_133331.3 and 2 more transcripts); short protein forms P511T.
Identifiers: ClinVar variation 3694535 (VCV003694535.2).

ClinVar aggregate classification (germline): Uncertain significance (1 of 4 stars; one submission).

Submission:

Labcorp Genetics (formerly Invitae), Labcorp
Classification: Uncertain significance. Last evaluated: 2024-03-13. Review status: criteria provided, single submitter. Criteria: Invitae Variant Classification Sherloc (09022015). Collection method: clinical testing. Allele origin: germline.
Comment: This sequence change replaces proline, which is neutral and non-polar, with threonine, which is neutral and polar, at codon 511 of the WHSC1 protein (p.Pro511Thr). This variant is not present in population databases (gnomAD no frequency). This variant has not been reported in the literature in individuals affected with WHSC1-related conditions. Advanced modeling of protein sequence and biophysical properties (such as structural, functional, and spatial information, amino acid conservation, physicochemical variation, residue mobility, and thermodynamic stability) performed at Invitae indicates that this missense variant is not expected to disrupt WHSC1 protein function with a negative predictive value of 80%. In summary, the available evidence is currently insufficient to determine the role of this variant in disease. Therefore, it has been classified as a Variant of Uncertain Significance.